The following is an entry in ClinVar:

ClinVar aggregate classification (germline): Pathogenic. Review status: criteria provided, multiple submitters, no conflicts (2 of 4 stars). 2 submissions from 2 submitters: Pathogenic (2). Last evaluated 2023-02-01.

Conditions:
Hyper-IgM syndrome type 1. Also called: CD40 Ligand Deficiency; X-linked hyper-IgM syndrome; Immunodeficiency, X-linked, with hyper-IgM; Hyper-IgM Immunodeficiency Syndrome, Type 1. Identifiers: Orphanet 101088, MedGen C0398689, MONDO:0010626, OMIM 308230.

Submissions (2):

CeGaT Center for Human Genetics Tuebingen
Classification: Pathogenic. Last evaluated: 2023-02-01. Review status: criteria provided, single submitter. Criteria: CeGaT Center For Human Genetics Tuebingen Variant Classification Criteria Version 2. Collection method: clinical testing. Allele origin: germline. Affected: yes. Observed: 1 variant allele.
Comment: CD40LG: PVS1, PM2, PP4

Labcorp Genetics (formerly Invitae), Labcorp
Classification: Pathogenic for Hyper-IgM syndrome type 1. Last evaluated: 2022-05-20. Review status: criteria provided, single submitter. Criteria: Invitae Variant Classification Sherloc (09022015). Collection method: clinical testing. Allele origin: germline.
Comment: For these reasons, this variant has been classified as Pathogenic. This variant has not been reported in the literature in individuals affected with CD40LG-related conditions. This variant is not present in population databases (gnomAD no frequency). This sequence change creates a premature translational stop signal (p.Gln90*) in the CD40LG gene. It is expected to result in an absent or disrupted protein product. Loss-of-function variants in CD40LG are known to be pathogenic (PMID: 15319456).

Literature cited by the submitters: PubMed 15319456 (cited by Labcorp Genetics (formerly Invitae), Labcorp).

NM_000074.3(CD40LG):c.268C>T (p.Gln90Ter)

Gene: CD40LG (CD40 ligand; plus strand). Cytogenetic location: Xq26.3.
Variant type: single nucleotide variant.
Coding change: c.268C>T on transcript NM_000074.3 (MANE Select); coding-DNA position 268, C replaced by T.
Protein change: p.Gln90Ter; replaces glutamine 90 with a stop codon.
Molecular consequence: nonsense.
Genome position (GRCh38, 1-based): chrX:136,650,377, C>T. VCF-style: chrX-136650377-C-T. GRCh37 (hg19) VCF-style: chrX-135732536-C-T.
Other names: short protein forms Q90*.
Identifiers: ClinVar variation 1997026 (VCV001997026.32), dbSNP rs2522106594, ClinGen allele CA414753576.